The following is an entry in ClinVar:

NM_003000.3(SDHB):c.318T>G (p.Asn106Lys)

Gene: SDHB (succinate dehydrogenase complex iron sulfur subunit B; minus strand). Cytogenetic location: 1p36.13.
Variant type: single nucleotide variant.
Coding change: c.318T>G on transcript NM_003000.3 (MANE Select); coding-DNA position 318, T replaced by G.
Protein change: p.Asn106Lys; replaces asparagine 106 with lysine.
Molecular consequence: missense variant.
Genome position (GRCh38, 1-based): chr1:17,028,705, A>C on the plus strand (T>G on the coding strand, the complement: SDHB is on the minus strand). VCF-style: chr1-17028705-A-C. GRCh37 (hg19) VCF-style: chr1-17355200-A-C.
Other names: c.318T>G, p.Asn106Lys (NM_001407361.1); short protein forms N106K.
Identifiers: ClinVar variation 5029253 (VCV005029253.1).

ClinVar aggregate classification (germline): Uncertain significance (1 of 4 stars; one submission).

Conditions:
Hereditary cancer-predisposing syndrome. Also called: Neoplastic Syndromes, Hereditary; Tumor predisposition; Hereditary neoplastic syndrome; Hereditary Cancer Syndrome. Identifiers: Orphanet 140162, MedGen C0027672, MeSH D009386, MONDO:0015356.

Submission:

Ambry Genetics
Classification: Uncertain significance for Hereditary cancer-predisposing syndrome. Last evaluated: 2026-07-07. Review status: criteria provided, single submitter. Criteria: Ambry Variant Classification Scheme 2023. Collection method: clinical testing. Allele origin: germline.
Comment: The p.N106K variant (also known as c.318T>G), located in coding exon 4 of the SDHB gene, results from a T to G substitution at nucleotide position 318. The asparagine at codon 106 is replaced by lysine, an amino acid with similar properties. This amino acid position is conserved. In addition, the in silico prediction for this alteration is inconclusive. Based on the available evidence, the clinical significance of this variant remains unclear.